The following is an entry in ClinVar:

NM_058195.4(CDKN2A):c.51G>C (p.Pro17=)

Gene: CDKN2A (cyclin dependent kinase inhibitor 2A; minus strand). Cytogenetic location: 9p21.3.
Variant type: single nucleotide variant.
Coding change: c.51G>C on transcript NM_058195.4 (MANE Plus Clinical); coding-DNA position 51, G replaced by C.
Protein change: p.Pro17=; no amino-acid change (proline 17 retained).
Molecular consequence: synonymous variant. On other transcripts: intron variant (1).
Genome position (GRCh38, 1-based): chr9:21,994,281, C>G on the plus strand (G>C on the coding strand, the complement: CDKN2A is on the minus strand). VCF-style: chr9-21994281-C-G. GRCh37 (hg19) VCF-style: chr9-21994280-C-G.
Other names: c.-4+540G>C (NM_001363763.2).
Identifiers: ClinVar variation 4294214 (VCV004294214.1).

ClinVar aggregate classification (germline): Benign (1 of 4 stars; one submission).

Conditions:
Melanoma-pancreatic cancer syndrome. Identifiers: Orphanet 404560, MedGen C1838547, MONDO:0011713, OMIM 606719. Disease mechanism: loss of function.

Submission:

Myriad Genetics, Inc.
Classification: Benign for Melanoma-pancreatic cancer syndrome. Last evaluated: 2025-08-12. Review status: criteria provided, single submitter. Criteria: Myriad Autosomal Dominant, Autosomal Recessive and X-Linked Classification Criteria (2023). Collection method: clinical testing. Allele origin: unknown.
Comment: This variant is considered benign. This variant is a silent/synonymous amino acid change and it is not expected to impact splicing.